The following is an entry in ClinVar:

ClinVar aggregate classification (germline): Uncertain significance. Review status: criteria provided, multiple submitters, no conflicts (2 of 4 stars). 3 submissions from 3 submitters: Uncertain significance (3). Last evaluated 2026-01-23.

Conditions:
Inborn genetic diseases. Identifiers: MedGen C0950123, MeSH D030342.
Netherton syndrome (NETH). Also called: ERYTHRODERMA, ICHTHYOSIFORM, WITH HYPOTRICHOSIS AND HYPER-IgE; COMEL-NETHERTON SYNDROME; NETHERTON DISEASE. Identifiers: Orphanet 634, MedGen C5574950, MONDO:0009735, OMIM 256500.

Allele frequency attached by ClinVar (database versions not stated): gnomAD exomes 0.00002; ExAC 0.00003; ESP Exome Variant Server 0.00008; gnomAD 0.00009 and 0.00011; TOPMed 0.00015.
gnomAD v4.1: 31 of 1,613,136 alleles (0.0019%); highest among the groups gnomAD compares: African/African-American, 0.033%; no homozygotes.

Submissions (3):

Women's Health and Genetics/Laboratory Corporation of America, LabCorp
Classification: Uncertain significance. Last evaluated: 2026-01-23. Review status: criteria provided, single submitter. Criteria: LabCorp Variant Classification Summary - May 2015. Collection method: clinical testing. Allele origin: germline.

Ambry Genetics
Classification: Uncertain significance for Inborn genetic diseases. Last evaluated: 2023-12-22. Review status: criteria provided, single submitter. Criteria: Ambry Variant Classification Scheme 2023. Collection method: clinical testing. Allele origin: germline.

Labcorp Genetics (formerly Invitae), Labcorp
Classification: Uncertain significance for Ichthyosis linearis circumflexa. Last evaluated: 2022-07-26. Review status: criteria provided, single submitter. Criteria: Invitae Variant Classification Sherloc (09022015). Collection method: clinical testing. Allele origin: germline.
Comment: This sequence change replaces glutamine, which is neutral and polar, with glutamic acid, which is acidic and polar, at codon 389 of the SPINK5 protein (p.Gln389Glu). This variant is present in population databases (rs371745897, gnomAD 0.04%). This variant has not been reported in the literature in individuals affected with SPINK5-related conditions. ClinVar contains an entry for this variant (Variation ID: 1408849). Algorithms developed to predict the effect of missense changes on protein structure and function are either unavailable or do not agree on the potential impact of this missense change (SIFT: "Deleterious"; PolyPhen-2: "Benign"; Align-GVGD: "Class C0"). In summary, the available evidence is currently insufficient to determine the role of this variant in disease. Therefore, it has been classified as a Variant of Uncertain Significance.

NM_006846.4(SPINK5):c.1165C>G (p.Gln389Glu)

Gene: SPINK5 (serine peptidase inhibitor Kazal type 5; plus strand). Cytogenetic location: 5q32.
Variant type: single nucleotide variant.
Coding change: c.1165C>G on transcript NM_006846.4 (MANE Select); coding-DNA position 1165, C replaced by G.
Protein change: p.Gln389Glu; replaces glutamine 389 with glutamic acid.
Molecular consequence: missense variant.
Genome position (GRCh38, 1-based): chr5:148,100,526, C>G. VCF-style: chr5-148100526-C-G. GRCh37 (hg19) VCF-style: chr5-147480089-C-G.
Other names: c.1165C>G (NM_006846.3); c.1165C>G, p.Gln389Glu (NM_001127698.2, NM_001127699.2); short protein forms Q389E.
Identifiers: ClinVar variation 1408849 (VCV001408849.5), dbSNP rs371745897, ClinGen allele CA3495493.